The following is an entry in ClinVar:

NM_000535.7(PMS2):c.2260G>A (p.Val754Ile)

Gene: PMS2 (PMS1 homolog 2, mismatch repair system component; minus strand). Cytogenetic location: 7p22.1.
Variant type: single nucleotide variant.
Coding change: c.2260G>A on transcript NM_000535.7 (MANE Select); coding-DNA position 2260, G replaced by A.
Protein change: p.Val754Ile; replaces valine 754 with isoleucine.
Molecular consequence: missense variant. On other transcripts: non-coding transcript variant (1).
Genome position (GRCh38, 1-based): chr7:5,978,611, C>T on the plus strand (G>A on the coding strand, the complement: PMS2 is on the minus strand). VCF-style: chr7-5978611-C-T. GRCh37 (hg19) VCF-style: chr7-6018242-C-T.
Other names: c.1855G>A, p.Val619Ile (NM_001322003.2, NM_001322004.2, NM_001322005.2 and 1 more transcripts); c.2104G>A, p.Val702Ile (NM_001322006.2); c.1942G>A, p.Val648Ile (NM_001322007.2, NM_001322008.2); c.1699G>A, p.Val567Ile (NM_001322010.2); c.1327G>A, p.Val443Ile (NM_001322011.2, NM_001322012.2); c.1687G>A, p.Val563Ile (NM_001322013.2); c.2260G>A, p.Val754Ile (NM_001322014.2); c.1951G>A, p.Val651Ile (NM_001322015.2); short protein forms V754I, V443I, V648I, V651I, V563I, V567I, V619I, V702I.
Identifiers: ClinVar variation 230882 (VCV000230882.14), dbSNP rs876658822, ClinGen allele CA10578649.
Genomic context (GRCh38, chr7:5,978,611, plus strand): 5'-GTGAGCCACCACACCCAGCCGCTATAGTTCTAATTAATAACTTACCATTTTCATCGATAA[C>T]AAAATCAAAGCCATTCTTTCTAAATATTTCCAGATTTTCTATCAGAACAGCTTCATTAAC-3'
Protein context (NP_000526.2, residues 744-764): EIFRKNGFDF[Val754Ile]IDENAPVTER

ClinVar aggregate classification (germline): Conflicting classifications of pathogenicity. Review status: criteria provided, conflicting classifications (1 of 4 stars). 3 submissions from 3 submitters: Uncertain significance (2); Likely benign (1). Last evaluated 2024-10-05.

Conditions:
Hereditary nonpolyposis colorectal neoplasms. Identifiers: MedGen C0009405, MeSH D003123.
Hereditary cancer-predisposing syndrome. Also called: Neoplastic Syndromes, Hereditary; Tumor predisposition; Hereditary Cancer Syndrome; Hereditary neoplastic syndrome. Identifiers: Orphanet 140162, MedGen C0027672, MeSH D009386, MONDO:0015356.

Submissions (3):

Ambry Genetics
Classification: Likely benign for Hereditary cancer-predisposing syndrome. Last evaluated: 2024-10-05. Review status: criteria provided, single submitter. Criteria: Ambry Variant Classification Scheme 2023. Collection method: clinical testing. Allele origin: germline.

Color Diagnostics, LLC DBA Color Health
Classification: Uncertain significance for Hereditary cancer-predisposing syndrome. Last evaluated: 2024-03-06. Review status: criteria provided, single submitter. Criteria: ACMG Guidelines, 2015. Collection method: clinical testing. Allele origin: germline.
Comment: This missense variant replaces valine with isoleucine at codon 754 of the PMS2 protein. Computational prediction suggests that this variant may not impact protein structure and function (internally defined REVEL score threshold <= 0.5, PMID: 27666373). To our knowledge, functional studies have not been reported for this variant. This variant has not been reported in individuals affected with hereditary cancer in the literature. This variant has not been identified in the general population by the Genome Aggregation Database (gnomAD). The available evidence is insufficient to determine the role of this variant in disease conclusively. Therefore, this variant is classified as a Variant of Uncertain Significance.

Labcorp Genetics (formerly Invitae), Labcorp
Classification: Uncertain significance for Hereditary nonpolyposis colorectal neoplasms. Last evaluated: 2020-12-14. Review status: criteria provided, single submitter. Criteria: Invitae Variant Classification Sherloc (09022015). Collection method: clinical testing. Allele origin: germline.
Comment: In summary, the available evidence is currently insufficient to determine the role of this variant in disease. Therefore, it has been classified as a Variant of Uncertain Significance. Advanced modeling of protein sequence and biophysical properties (such as structural, functional, and spatial information, amino acid conservation, physicochemical variation, residue mobility, and thermodynamic stability) performed at Invitae indicates that this missense variant is not expected to disrupt PMS2 protein function. This variant has not been reported in the literature in individuals with PMS2-related conditions. ClinVar contains an entry for this variant (Variation ID: 230882). The frequency data for this variant in the population databases (ExAC) is considered unreliable due to the presence of homologous sequence, such as pseudogenes or paralogs, in the genome. This sequence change replaces valine with isoleucine at codon 754 of the PMS2 protein (p.Val754Ile). The valine residue is weakly conserved and there is a small physicochemical difference between valine and isoleucine.